The following is an entry in ClinVar:

NM_014218.3(KIR2DL1):c.521G>T (p.Gly174Val)

Gene: KIR2DL1 (killer cell immunoglobulin like receptor, two Ig domains and long cytoplasmic tail 1). Cytogenetic location: 19q13.42.
Variant type: single nucleotide variant.
Coding change: c.521G>T on transcript NM_014218.3 (MANE Select); coding-DNA position 521, G replaced by T.
Protein change: p.Gly174Val; replaces glycine 174 with valine.
Molecular consequence: missense variant.
Genome position (GRCh38, 1-based): chr19:54,775,315, G>T. VCF-style: chr19-54775315-G-T. GRCh37 (hg19) VCF-style: chr19-55286767-G-T.
Other names: short protein forms G174V.
Identifiers: ClinVar variation 3060765 (VCV003060765.2), dbSNP rs200746024, ClinGen allele CA309886414.

ClinVar aggregate classification (germline): Likely benign (0 of 4 stars; one submission).

Conditions:
KIR2DL1-related disorder. Also called: KIR2DL1-related condition.

Allele frequency attached by ClinVar (database versions not stated): ExAC 0.00243; gnomAD exomes 0.02833; 1000 Genomes Project 0.03435; 1000 Genomes Project 30x 0.15771.

Submission:

PreventionGenetics, part of Exact Sciences
Classification: Likely benign for KIR2DL1-related condition. Last evaluated: 2022-02-28. Review status: no assertion criteria provided. Collection method: clinical testing. Allele origin: germline.
Comment: This variant is classified as likely benign based on ACMG/AMP sequence variant interpretation guidelines (Richards et al. 2015 PMID: 25741868, with internal and published modifications).